The following is an entry in ClinVar:

ClinVar aggregate classification (germline): Likely benign (0 of 4 stars; one submission).

Conditions:
ABCA2-related disorder. Also called: ABCA2-related condition.

Submission:

PreventionGenetics, part of Exact Sciences
Classification: Likely benign for ABCA2-related condition. Last evaluated: 2019-09-24. Review status: no assertion criteria provided. Collection method: clinical testing. Allele origin: germline.
Comment: This variant is classified as likely benign based on ACMG/AMP sequence variant interpretation guidelines (Richards et al. 2015 PMID: 25741868, with internal and published modifications).

NM_001606.5(ABCA2):c.4779A>C (p.Pro1593=)

Gene: ABCA2 (ATP binding cassette subfamily A member 2; minus strand). Cytogenetic location: 9q34.3.
Variant type: single nucleotide variant.
Coding change: c.4779A>C on transcript NM_001606.5 (MANE Select); coding-DNA position 4779, A replaced by C.
Protein change: p.Pro1593=; no amino-acid change (proline 1593 retained).
Molecular consequence: synonymous variant.
Genome position (GRCh38, 1-based): chr9:137,013,090, T>G on the plus strand (A>C on the coding strand, the complement: ABCA2 is on the minus strand). VCF-style: chr9-137013090-T-G. GRCh37 (hg19) VCF-style: chr9-139907542-T-G.
Other names: c.4776A>C, p.Pro1592= (NM_001411042.1); c.4869A>C, p.Pro1623= (NM_212533.3).
Identifiers: ClinVar variation 3041390 (VCV003041390.2), dbSNP rs1383480862, ClinGen allele CA467844674.